The following is an entry in ClinVar:

NM_001015877.2(PHF6):c.-46-2A>G

Gene: PHF6 (PHD finger protein 6; plus strand). Cytogenetic location: Xq26.2.
Variant type: single nucleotide variant.
Coding change: c.-46-2A>G on transcript NM_001015877.2 (MANE Select); the canonical splice acceptor site of the intron before 46 bases upstream of the start codon, A replaced by G.
Molecular consequence: splice acceptor variant.
Genome position (GRCh38, 1-based): chrX:134,377,570, A>G. VCF-style: chrX-134377570-A-G. GRCh37 (hg19) VCF-style: chrX-133511600-A-G.
Other names: c.-46-2A>G (NM_032458.2, NM_032458.3, NM_032335.3).
Identifiers: ClinVar variation 4812866 (VCV004812866.2).

ClinVar aggregate classification (germline): Likely pathogenic (1 of 4 stars; one submission).

Conditions:
Early onset severe obesity. Identifiers: MedGen C4013980.

Submission:

Cambridge Genomics Laboratory, East Genomic Laboratory Hub, NHS Genomic Medicine Service
Classification: Likely pathogenic for Severe early-onset obesity. Last evaluated: 2023-12-06. Review status: criteria provided, single submitter. Criteria: ACGS Best Practice Guidelines for Variant Classification in Rare Disease 2020. Collection method: clinical testing. Allele origin: germline. Affected: yes.
Comment: PM2,PVS1_Strong